The following is an entry in ClinVar:

NM_005751.5(AKAP9):c.2546C>G (p.Thr849Ser)

Gene: AKAP9 (A-kinase anchoring protein 9; plus strand). Cytogenetic location: 7q21.2.
Variant type: single nucleotide variant.
Coding change: c.2546C>G on transcript NM_005751.5 (MANE Select); coding-DNA position 2546, C replaced by G.
Protein change: p.Thr849Ser; replaces threonine 849 with serine.
Molecular consequence: missense variant.
Genome position (GRCh38, 1-based): chr7:92,002,463, C>G. VCF-style: chr7-92002463-C-G. GRCh37 (hg19) VCF-style: chr7-91631777-C-G.
Other names: c.2546C>G, p.Thr849Ser (NM_147185.3); short protein forms T849S.
Identifiers: ClinVar variation 4265145 (VCV004265145.1).

ClinVar aggregate classification (germline): Uncertain significance (1 of 4 stars; one submission).

Conditions:
Cardiovascular phenotype. Identifiers: MedGen CN230736.

Submission:

Ambry Genetics
Classification: Uncertain significance for Cardiovascular phenotype. Last evaluated: 2025-07-21. Review status: criteria provided, single submitter. Criteria: Ambry Variant Classification Scheme 2023. Collection method: clinical testing. Allele origin: germline.
Comment: The p.T849S variant (also known as c.2546C>G), located in coding exon 8 of the AKAP9 gene, results from a C to G substitution at nucleotide position 2546. The threonine at codon 849 is replaced by serine, an amino acid with similar properties. This amino acid position is conserved. In addition, this alteration is predicted to be tolerated by in silico analysis. Based on the available evidence, the clinical significance of this variant remains unclear.